The following is an entry in ClinVar:

NM_000026.4(ADSL):c.1120C>T (p.Arg374Trp)

Gene: ADSL (adenylosuccinate lyase; plus strand). Cytogenetic location: 22q13.1.
Variant type: single nucleotide variant.
Coding change: c.1120C>T on transcript NM_000026.4 (MANE Select); coding-DNA position 1120, C replaced by T.
Protein change: p.Arg374Trp; replaces arginine 374 with tryptophan.
Molecular consequence: missense variant. On other transcripts: non-coding transcript variant (1).
Genome position (GRCh38, 1-based): chr22:40,364,294, C>T. VCF-style: chr22-40364294-C-T. GRCh37 (hg19) VCF-style: chr22-40760298-C-T.
Other names: c.1120C>T, p.Arg374Trp (NM_001123378.3, NM_001363840.3); c.928C>T, p.Arg310Trp (NM_001317923.2); short protein forms R374W, R310W.
Identifiers: ClinVar variation 381550 (VCV000381550.10), dbSNP rs376533026, ClinGen allele CA10247929.

ClinVar aggregate classification (germline): Conflicting classifications of pathogenicity. Review status: criteria provided, conflicting classifications (1 of 4 stars). 3 submissions from 3 submitters: Pathogenic (1); Uncertain significance (2). Last evaluated 2025-10-23.

Conditions:
Adenylosuccinate lyase deficiency (ADSLD). Also called: ADSL DEFICIENCY. Identifiers: Orphanet 46, MedGen C0268126, MONDO:0007068, OMIM 103050.

Allele frequency attached by ClinVar (database versions not stated): gnomAD 0.00001 and 0.00002; gnomAD exomes 0.00001; TOPMed 0.00001; ExAC 0.00002; ESP Exome Variant Server 0.00008.
gnomAD v4.1: 17 of 1,613,930 alleles (0.0011%); highest among the groups gnomAD compares: South Asian, 0.0044%; no homozygotes.

Submissions (3):

Labcorp Genetics (formerly Invitae), Labcorp
Classification: Pathogenic for Adenylosuccinate lyase deficiency. Last evaluated: 2025-10-23. Review status: criteria provided, single submitter. Criteria: Invitae Variant Classification Sherloc (09022015). Collection method: clinical testing. Allele origin: germline.
Comment: This sequence change replaces arginine, which is basic and polar, with tryptophan, which is neutral and slightly polar, at codon 374 of the ADSL protein (p.Arg374Trp). This variant is present in population databases (rs376533026, gnomAD 0.007%). This missense change has been observed in individual(s) with adenylosuccinate lyase deficiency (PMID: 12070256; internal data). In at least one individual the data is consistent with being in trans (on the opposite chromosome) from a pathogenic variant. ClinVar contains an entry for this variant (Variation ID: 381550). Invitae Evidence Modeling of protein sequence and biophysical properties (such as structural, functional, and spatial information, amino acid conservation, physicochemical variation, residue mobility, and thermodynamic stability) indicates that this missense variant is not expected to disrupt ADSL protein function with a negative predictive value of 80%. For these reasons, this variant has been classified as Pathogenic.

GeneDx
Classification: Uncertain significance. Last evaluated: 2024-10-25. Review status: criteria provided, single submitter. Criteria: GeneDx Variant Classification Process June 2021. Collection method: clinical testing. Allele origin: germline. Affected: yes.
Comment: Not observed at significant frequency in large population cohorts (gnomAD); In silico analysis supports that this missense variant has a deleterious effect on protein structure/function; This variant is associated with the following publications: (PMID: 25525159, 16839792, 34426522, 12070256)

Blueprint Genetics
Classification: Uncertain significance. Last evaluated: 2023-09-19. Review status: criteria provided, single submitter. Criteria: ACMG Guidelines, 2015. Collection method: clinical testing. Allele origin: germline.

Literature cited by the submitters: PubMed 12070256 (cited by Labcorp Genetics (formerly Invitae), Labcorp).